The following is an entry in ClinVar:

ClinVar aggregate classification (germline): Uncertain significance (1 of 4 stars; one submission).

Submission:

Women's Health and Genetics/Laboratory Corporation of America, LabCorp
Classification: Uncertain significance. Last evaluated: 2026-05-05. Review status: criteria provided, single submitter. Criteria: LabCorp Variant Classification Summary - May 2015. Collection method: clinical testing. Allele origin: germline.
Comment: Variant summary: TULP1 c.1142T>G (p.Val381Gly) results in a non-conservative amino acid change in the encoded protein sequence. Algorithms developed to predict the effect of missense changes on protein structure and function all suggest that this variant is likely to be disruptive. The variant was absent in 248488 control chromosomes. The available data on variant occurrences in the general population are insufficient to allow any conclusion about variant significance. c.1142T>G has been observed in a compound heterozygous state in one individual affected with Leber congenital amaurosis (Bai_2021). These data do not allow any conclusion about the significance of the variant. To our knowledge, no experimental evidence demonstrating an impact on protein function has been reported. The following publication has been ascertained in the context of this evaluation (PMID: 33781268). No submitters have cited clinical significance assessments for this variant in ClinVar. Based on the evidence outlined above, the variant was classified as uncertain significance.

Literature cited by the submitters: PubMed 33781268.

NM_003322.6(TULP1):c.1142T>G (p.Val381Gly)

Gene: TULP1 (TUB like protein 1; minus strand). Cytogenetic location: 6p21.31.
Variant type: single nucleotide variant.
Coding change: c.1142T>G on transcript NM_003322.6 (MANE Select); coding-DNA position 1142, T replaced by G.
Protein change: p.Val381Gly; replaces valine 381 with glycine.
Molecular consequence: missense variant.
Genome position (GRCh38, 1-based): chr6:35,503,819, A>C on the plus strand (T>G on the coding strand, the complement: TULP1 is on the minus strand). VCF-style: chr6-35503819-A-C. GRCh37 (hg19) VCF-style: chr6-35471596-A-C.
Other names: c.983T>G, p.Val328Gly (NM_001289395.2); short protein forms V328G, V381G.
Identifiers: ClinVar variation 4853537 (VCV004853537.1).